The following is an entry in ClinVar:

ClinVar aggregate classification (germline): Likely benign. Review status: criteria provided, single submitter (1 of 4 stars). 2 submissions from 2 submitters: Likely benign (1). 1 of the submissions does not count toward it. Last evaluated 2023-10-26.

Conditions:
GHR-related disorder. Also called: GHR-related condition.

Allele frequency attached by ClinVar (database versions not stated): ExAC 0.00019; gnomAD 0.00398; 1000 Genomes Project 0.00439; 1000 Genomes Project 30x 0.00453; TOPMed 0.00459.
gnomAD v4.1: 1,120 of 1,534,386 alleles (0.073%); highest among the groups gnomAD compares: African/African-American, 1.4%; 7 homozygotes.

Submissions (2):

Blueprint Genetics
Classification: Likely benign. Last evaluated: 2023-10-26. Review status: criteria provided, single submitter. Criteria: ACMG Guidelines, 2015. Collection method: clinical testing. Allele origin: germline.

PreventionGenetics, part of Exact Sciences
Classification: Benign for GHR-related condition. Last evaluated: 2019-10-31. Review status: no assertion criteria provided. Collection method: clinical testing. Allele origin: germline. Not counted in ClinVar's aggregate classification.
Comment: This variant is classified as benign based on ACMG/AMP sequence variant interpretation guidelines (Richards et al. 2015 PMID: 25741868, with internal and published modifications).

NM_000163.5(GHR):c.-12+646A>T

Genes: GHR (growth hormone receptor; plus strand), LOC107963950 (GHR upstream promoter region module A; plus strand). Cytogenetic location: 5p13.1.
Variant type: single nucleotide variant.
Coding change: c.-12+646A>T on transcript NM_000163.5 (MANE Select); 646 bases into the intron after 12 bases upstream of the start codon, A replaced by T.
Molecular consequence: intron variant.
Genome position (GRCh38, 1-based): chr5:42,424,601, A>T. VCF-style: chr5-42424601-A-T. GRCh37 (hg19) VCF-style: chr5-42424703-A-T.
Other names: c.-297+3A>T (NM_001242400.2); c.10+3A>T (NM_001242399.2).
Identifiers: ClinVar variation 3035850 (VCV003035850.3), dbSNP rs116297749, ClinGen allele CA3254259.